The following is an entry in ClinVar:

ClinVar aggregate classification (germline): Uncertain significance. Review status: criteria provided, multiple submitters, no conflicts (2 of 4 stars). 2 submissions from 2 submitters: Uncertain significance (2). Last evaluated 2025-08-29.

Conditions:
Inborn genetic diseases. Identifiers: MedGen C0950123, MeSH D030342.
Branched-chain keto acid dehydrogenase kinase deficiency (BCKDKD). Also called: BCKDK DEFICIENCY. Identifiers: Orphanet 308410, MedGen C3554078, MONDO:0013970, OMIM 614923.

gnomAD v4.1: 40 of 1,614,054 alleles (0.0025%); highest among the groups gnomAD compares: Middle Eastern, 0.016%; no homozygotes.

Submissions (2):

Ambry Genetics
Classification: Uncertain significance for Inborn genetic diseases. Last evaluated: 2025-08-29. Review status: criteria provided, single submitter. Criteria: Ambry Variant Classification Scheme 2023. Collection method: clinical testing. Allele origin: germline.

Labcorp Genetics (formerly Invitae), Labcorp
Classification: Uncertain significance for Branched-chain keto acid dehydrogenase kinase deficiency. Last evaluated: 2024-06-26. Review status: criteria provided, single submitter. Criteria: Invitae Variant Classification Sherloc (09022015). Collection method: clinical testing. Allele origin: germline.
Comment: This sequence change replaces proline, which is neutral and non-polar, with leucine, which is neutral and non-polar, at codon 141 of the BCKDK protein (p.Pro141Leu). This variant is present in population databases (rs765220841, gnomAD 0.007%). This variant has not been reported in the literature in individuals affected with BCKDK-related conditions. Algorithms developed to predict the effect of missense changes on protein structure and function output the following: SIFT: "Not Available"; PolyPhen-2: "Benign"; Align-GVGD: "Not Available". The leucine amino acid residue is found in multiple mammalian species, which suggests that this missense change does not adversely affect protein function. In summary, the available evidence is currently insufficient to determine the role of this variant in disease. Therefore, it has been classified as a Variant of Uncertain Significance.

NM_005881.4(BCKDK):c.422C>T (p.Pro141Leu)

Gene: BCKDK (branched chain keto acid dehydrogenase kinase; plus strand). Cytogenetic location: 16p11.2.
Variant type: single nucleotide variant.
Coding change: c.422C>T on transcript NM_005881.4 (MANE Select); coding-DNA position 422, C replaced by T.
Protein change: p.Pro141Leu; replaces proline 141 with leucine.
Molecular consequence: missense variant.
Genome position (GRCh38, 1-based): chr16:31,110,123, C>T. VCF-style: chr16-31110123-C-T. GRCh37 (hg19) VCF-style: chr16-31121444-C-T.
Other names: c.422C>T (NM_005881.2); c.422C>T, p.Pro141Leu (NM_001122957.4, NM_001271926.3); short protein forms P141L.
Identifiers: ClinVar variation 3726113 (VCV003726113.3).